The following is an entry in ClinVar:

NM_017838.4(NHP2):c.459_460del (p.Ter154ArgextTer?)

Genes: NHP2 (NHP2 ribonucleoprotein; minus strand), RMND5B (required for meiotic nuclear division 5 homolog B; plus strand). Cytogenetic location: 5q35.3.
Variant type: Deletion.
Coding change: c.459_460del on transcript NM_017838.4 (MANE Select); coding-DNA positions 459 to 460, 2 bases deleted (AT; older notation c.459_460delAT).
Protein change: p.Ter154ArgextTer?.
Molecular consequence: frameshift variant. On other transcripts: 3 prime UTR variant (5).
Genome position (GRCh38, 1-based): chr5:178,149,715-178,149,716, AT deleted on the plus strand (AT on the coding strand, the reverse complement: NHP2 is on the minus strand); deleting any 2 consecutive bases within chr5:178,149,715-178,149,717 gives the same sequence; the c. name uses the placement nearest the transcript's 3' end. VCF-style (leftmost placement, unchanged base first): chr5-178149714-CAT-C. GRCh37 (hg19) VCF-style: chr5-177576715-CAT-C.
Other names: c.*80_*81del (NM_001034833.2, NM_001396110.1); c.*1684_*1685del (NM_001288794.2, NM_001288795.2, NM_022762.5).
Identifiers: ClinVar variation 4716755 (VCV004716755.1).

ClinVar aggregate classification (germline): Uncertain significance (1 of 4 stars; one submission).

Conditions:
Dyskeratosis congenita. Identifiers: Orphanet 1775, MedGen C0265965, MONDO:0015780.

Submission:

Labcorp Genetics (formerly Invitae), Labcorp
Classification: Uncertain significance for Dyskeratosis congenita. Last evaluated: 2025-08-03. Review status: criteria provided, single submitter. Criteria: Invitae Variant Classification Sherloc (09022015). Collection method: clinical testing. Allele origin: germline.
Comment: This sequence change disrupts the translational stop signal of the NHP2 mRNA. It is expected to extend the length of the NHP2 protein by 29 additional amino acid residues. This variant is not present in population databases (gnomAD no frequency). This variant has not been reported in the literature in individuals affected with NHP2-related conditions. Experimental studies and prediction algorithms are not available or were not evaluated, and the functional significance of this variant is currently unknown. In summary, the available evidence is currently insufficient to determine the role of this variant in disease. Therefore, it has been classified as a Variant of Uncertain Significance.